The following is an entry in ClinVar:

ClinVar aggregate classification (germline): Uncertain significance (1 of 4 stars; one submission).

Conditions:
Primary ciliary dyskinesia. Also called: Ciliary dyskinesia. Identifiers: Orphanet 244, MedGen C0008780, MONDO:0016575, HP:0012265.

Submission:

Ambry Genetics
Classification: Uncertain significance for Primary ciliary dyskinesia. Last evaluated: 2021-11-29. Review status: criteria provided, single submitter. Criteria: Ambry Variant Classification Scheme 2023. Collection method: clinical testing. Allele origin: germline.
Comment: The p.G72V variant (also known as c.215G>T), located in coding exon 1 of the RSPH4A gene, results from a G to T substitution at nucleotide position 215. The glycine at codon 72 is replaced by valine, an amino acid with dissimilar properties. This amino acid position is conserved. In addition, this alteration is predicted to be tolerated by in silico analysis. Since supporting evidence is limited at this time, the clinical significance of this alteration remains unclear.

NM_001010892.3(RSPH4A):c.215G>T (p.Gly72Val)

Gene: RSPH4A (radial spoke head component 4A; plus strand). Cytogenetic location: 6q22.1.
Variant type: single nucleotide variant.
Coding change: c.215G>T on transcript NM_001010892.3 (MANE Select); coding-DNA position 215, G replaced by T.
Protein change: p.Gly72Val; replaces glycine 72 with valine.
Molecular consequence: missense variant.
Genome position (GRCh38, 1-based): chr6:116,616,838, G>T. VCF-style: chr6-116616838-G-T. GRCh37 (hg19) VCF-style: chr6-116938001-G-T.
Other names: c.215G>T, p.Gly72Val (NM_001161664.2); short protein forms G72V.
Identifiers: ClinVar variation 1786882 (VCV001786882.2), dbSNP rs2482777442, ClinGen allele CA365390750.
Genomic context (GRCh38, chr6:116,616,838, plus strand): 5'-GACGCCAGTCCCGAAGCAGCCGTCCTTGGAGCCCGCAGTCTAGAGCCAAGACGCCTCTGG[G>T]TGGCCCCGCGGGACCAGAAACATCATCACCTGCTCCTGTCTCTCCGCGGGAGCCCTCTTC-3'
Protein context (NP_001010892.1, residues 62-82): SPQSRAKTPL[Gly72Val]GPAGPETSSP